The following is an entry in ClinVar:

ClinVar aggregate classification (germline): Uncertain significance (1 of 4 stars; one submission).

Allele frequency attached by ClinVar (database versions not stated): gnomAD exomes below 0.00001.
gnomAD v4.1: 1 of 1,614,020 alleles (0.000062%); no homozygotes.

Submission:

GeneDx
Classification: Uncertain significance. Last evaluated: 2022-11-07. Review status: criteria provided, single submitter. Criteria: GeneDx Variant Classification Process June 2021. Collection method: clinical testing. Allele origin: germline. Affected: yes.
Comment: Not observed at significant frequency in large population cohorts (gnomAD); In silico analysis supports that this missense variant has a deleterious effect on protein structure/function; Has not been previously published as pathogenic or benign to our knowledge

NM_003047.5(SLC9A1):c.1522G>C (p.Val508Leu)

Gene: SLC9A1 (solute carrier family 9 member A1; minus strand). Cytogenetic location: 1p36.11.
Variant type: single nucleotide variant.
Coding change: c.1522G>C on transcript NM_003047.5 (MANE Select); coding-DNA position 1522, G replaced by C.
Protein change: p.Val508Leu; replaces valine 508 with leucine.
Molecular consequence: missense variant. On other transcripts: non-coding transcript variant (1).
Genome position (GRCh38, 1-based): chr1:27,103,276, C>G on the plus strand (G>C on the coding strand, the complement: SLC9A1 is on the minus strand). VCF-style: chr1-27103276-C-G. GRCh37 (hg19) VCF-style: chr1-27429767-C-G.
Other names: short protein forms V508L.
Identifiers: ClinVar variation 2501418 (VCV002501418.1), dbSNP rs2523110612, ClinGen allele CA339183855.